The following is an entry in ClinVar:

ClinVar aggregate classification (germline): Uncertain significance (1 of 4 stars; one submission).

Conditions:
Cowden syndrome (CS). Also called: Cowden's disease; Cowden's syndrome; Cowden disease. Identifiers: Orphanet 201, MedGen C0018553, MONDO:0016063. Disease mechanism: gain of function.

Submission:

Labcorp Genetics (formerly Invitae), Labcorp
Classification: Uncertain significance for Cowden syndrome. Last evaluated: 2023-07-19. Review status: criteria provided, single submitter. Criteria: Invitae Variant Classification Sherloc (09022015). Collection method: clinical testing. Allele origin: germline.
Comment: In summary, the available evidence is currently insufficient to determine the role of this variant in disease. Therefore, it has been classified as a Variant of Uncertain Significance. Experimental studies and prediction algorithms are not available or were not evaluated, and the functional significance of this variant is currently unknown. This variant has not been reported in the literature in individuals affected with PIK3CA-related conditions. This variant results in a copy number gain of the genomic region encompassing exon(s) 10-21 of the PIK3CA gene. This region includes the termination codon of the gene. This copy number gain extends beyond the assayed region for this gene and therefore may encompass additional genes. As the precise location of this event is unknown, it may be in tandem or it may be located elsewhere in the genome.

NC_000003.11:g.(?_178935988)_(178952152_?)dup

Gene: PIK3CA (phosphatidylinositol-4,5-bisphosphate 3-kinase catalytic subunit alpha; plus strand). Cytogenetic location: 3q26.32.
Variant type: Duplication.
Identifiers: ClinVar variation 1015501 (VCV001015501.7).